The following is an entry in ClinVar:

NM_000551.4(VHL):c.263_265dup (p.Trp88_Leu89insArg)

Gene: VHL (von Hippel-Lindau tumor suppressor; plus strand). Cytogenetic location: 3p25.3.
Variant type: Duplication.
Coding change: c.263_265dup on transcript NM_000551.4 (MANE Select); coding-DNA positions 263 to 265, 3 bases duplicated (GGC; older notation c.263_265dupGGC).
Protein change: p.Trp88_Leu89insArg.
Molecular consequence: inframe insertion.
Genome position (GRCh38, 1-based): chr3:10,142,110-10,142,112, GGC duplicated. VCF-style (leftmost placement, unchanged base first): chr3-10142109-T-TGGC. GRCh37 (hg19) VCF-style: chr3-10183793-T-TGGC.
Other names: c.263_265dupGGC (NM_000551.3); c.263_265dup, p.Trp88_Leu89insArg (NM_001354723.2, NM_198156.3).
Identifiers: ClinVar variation 428805 (VCV000428805.5), dbSNP rs1131690960, ClinGen allele CA645369327.

ClinVar aggregate classification (germline): Likely pathogenic (1 of 4 stars; one submission).

Conditions:
Hereditary cancer-predisposing syndrome. Also called: Hereditary Cancer Syndrome; Neoplastic Syndromes, Hereditary; Hereditary neoplastic syndrome; Tumor predisposition. Identifiers: Orphanet 140162, MedGen C0027672, MeSH D009386, MONDO:0015356.

Submission:

Ambry Genetics
Classification: Likely pathogenic for Hereditary cancer-predisposing syndrome. Last evaluated: 2018-06-01. Review status: criteria provided, single submitter. Criteria: Ambry Variant Classification Scheme 2023. Collection method: clinical testing. Allele origin: germline.
Comment: The c.263_265dupGGC variant (also known as p.W88_L89insR), located in coding exon 1 of the VHL gene, results from an in-frame duplication of GGC at nucleotide positions 263 to 265, and results in the insertion of an extra arginine residue between codons 88 and 89. This alteration has been identified in unrelated individuals meeting diagnostic criteria for Von Hippel-Lindau (VHL) (Ambry internal data). Further, multiple similar non-truncating alterations in this region (p.W88R, p.W88L, p.W88C, p.L89P) have been reported in individuals satisfying established diagnostic criteria for VHL (Chen F, Hum. Mutat. 1995 ; 5(1):66-75, Kondo, et al. Hum. Mol. Genet. 1995 Dec; 4(12):2233-7, Gl&auml;sker S, J. Neurol. Neurosurg. Psychiatr. 1999 Dec; 67(6):758-62, Rocha JC, J. Med. Genet. 2003 Mar; 40(3):e31; Ong KR et al. Hum Mutat. 2007;28(2):143-149). In addition, based on internal structural assessment, this alteration results in local structural perturbation of the VHL protein fold, near the HIF1&alpha;-peptide-binding site (Min JH et al. Science, 2002 Jun;296:1886-9; Van Molle I et al. Chem. Biol., 2012 Oct;19:1300-12). The duplicated nucleotide region is highly conserved in available vertebrate species. Based on the majority of available evidence to date, this variant is likely to be pathogenic.

Literature cited by the submitters: PubMed 12004076; PubMed 23102223.